The following is an entry in ClinVar:

ClinVar aggregate classification (germline): Uncertain significance. Review status: criteria provided, multiple submitters, no conflicts (2 of 4 stars). 2 submissions from 2 submitters: Uncertain significance (2). Last evaluated 2024-04-22.

Conditions:
Inborn genetic diseases. Identifiers: MedGen C0950123, MeSH D030342.

Allele frequency attached by ClinVar (database versions not stated): gnomAD exomes 0.00002; ExAC 0.00003; gnomAD 0.00003.
gnomAD v4.1: 34 of 1,613,366 alleles (0.0021%); highest among the groups gnomAD compares: South Asian, 0.024%; no homozygotes.

Submissions (2):

Ambry Genetics
Classification: Uncertain significance for Inborn genetic diseases. Last evaluated: 2024-04-22. Review status: criteria provided, single submitter. Criteria: Ambry Variant Classification Scheme 2023. Collection method: clinical testing. Allele origin: germline.

Labcorp Genetics (formerly Invitae), Labcorp
Classification: Uncertain significance. Last evaluated: 2022-07-06. Review status: criteria provided, single submitter. Criteria: Invitae Variant Classification Sherloc (09022015). Collection method: clinical testing. Allele origin: germline.
Comment: This sequence change replaces arginine, which is basic and polar, with tryptophan, which is neutral and slightly polar, at codon 2480 of the COL7A1 protein (p.Arg2480Trp). This variant is present in population databases (rs113508522, gnomAD 0.03%). This variant has not been reported in the literature in individuals affected with COL7A1-related conditions. Advanced modeling of protein sequence and biophysical properties (such as structural, functional, and spatial information, amino acid conservation, physicochemical variation, residue mobility, and thermodynamic stability) performed at Invitae indicates that this missense variant is expected to disrupt COL7A1 protein function. In summary, the available evidence is currently insufficient to determine the role of this variant in disease. Therefore, it has been classified as a Variant of Uncertain Significance.

NM_000094.4(COL7A1):c.7438C>T (p.Arg2480Trp)

Gene: COL7A1 (collagen type VII alpha 1 chain; minus strand). Cytogenetic location: 3p21.31.
Variant type: single nucleotide variant.
Coding change: c.7438C>T on transcript NM_000094.4 (MANE Select); coding-DNA position 7438, C replaced by T.
Protein change: p.Arg2480Trp; replaces arginine 2480 with tryptophan.
Molecular consequence: missense variant.
Genome position (GRCh38, 1-based): chr3:48,570,277, G>A on the plus strand (C>T on the coding strand, the complement: COL7A1 is on the minus strand). VCF-style: chr3-48570277-G-A. GRCh37 (hg19) VCF-style: chr3-48607710-G-A.
Other names: short protein forms R2480W.
Identifiers: ClinVar variation 2147591 (VCV002147591.2), dbSNP rs113508522, ClinGen allele CA2378509.
Genomic context (GRCh38, chr3:48,570,277, plus strand): 5'-AAATCAGAGGCAAGAGCTGGGATGAAGGGAGTTCGGCTGTGGAGTAAGACATACGTACCC[G>A]GATGCCTGGCTCCCCACGCTCGCCTCGGGGCCCAGGCAGCCCTACTCCAGGGTCTCCCTG-3'
Protein context (NP_000085.1, residues 2470-2490): PRGERGEPGI[Arg2480Trp]GEDGRPGQEG